The following is an entry in ClinVar:

ClinVar aggregate classification (germline): Likely benign. Review status: criteria provided, single submitter (1 of 4 stars). 2 submissions from 2 submitters: Likely benign (1). 1 of the submissions does not count toward it. Last evaluated 2024-11-05.

Conditions:
ABCA7-related disorder. Also called: ABCA7-related condition.

Allele frequency attached by ClinVar (database versions not stated): ESP Exome Variant Server 0.00015; TOPMed 0.00021; 1000 Genomes Project 30x 0.00031; gnomAD 0.00034; 1000 Genomes Project 0.00040; gnomAD exomes 0.00059; ExAC 0.00087.
gnomAD v4.1: 934 of 1,613,598 alleles (0.058%); highest among the groups gnomAD compares: Middle Eastern, 0.53%; 4 homozygotes.

Submissions (2):

Blueprint Genetics
Classification: Likely benign. Last evaluated: 2024-11-05. Review status: criteria provided, single submitter. Criteria: ACMG Guidelines, 2015. Collection method: clinical testing. Allele origin: germline.

PreventionGenetics, part of Exact Sciences
Classification: Benign for ABCA7-related condition. Last evaluated: 2019-05-24. Review status: no assertion criteria provided. Collection method: clinical testing. Allele origin: germline. Not counted in ClinVar's aggregate classification.
Comment: This variant is classified as benign based on ACMG/AMP sequence variant interpretation guidelines (Richards et al. 2015 PMID: 25741868, with internal and published modifications).

NM_019112.4(ABCA7):c.6322G>A (p.Glu2108Lys)

Gene: ABCA7 (ATP binding cassette subfamily A member 7; plus strand). Cytogenetic location: 19p13.3.
Variant type: single nucleotide variant.
Coding change: c.6322G>A on transcript NM_019112.4 (MANE Select); coding-DNA position 6322, G replaced by A.
Protein change: p.Glu2108Lys; replaces glutamic acid 2108 with lysine.
Molecular consequence: missense variant.
Genome position (GRCh38, 1-based): chr19:1,065,306, G>A. VCF-style: chr19-1065306-G-A. GRCh37 (hg19) VCF-style: chr19-1065305-G-A.
Other names: short protein forms E2108K.
Identifiers: ClinVar variation 3038504 (VCV003038504.3), dbSNP rs139706726, ClinGen allele CA9035186.
Genomic context (GRCh38, chr19:1,065,306, plus strand): 5'-CCCCTCTGGGCTGCCCACCGCTAGGTATTCTTGTACTTCTCCAAGGACCAGGGGAAGGAC[G>A]AGGACACCGAAGAGCAGAAGGAGGCAGGAGTGGGAGTGGACCCCGCGCCAGGCCTGCAGC-3'
Protein context (NP_061985.2, residues 2098-2118): LYFSKDQGKD[Glu2108Lys]DTEEQKEAGV